The following is an entry in ClinVar:

NM_001127178.3(PIGG):c.1803del (p.Asp601fs)

Gene: PIGG (phosphatidylinositol glycan anchor biosynthesis class G (EMM blood group); plus strand). Cytogenetic location: 4p16.3.
Variant type: Deletion.
Coding change: c.1803del on transcript NM_001127178.3 (MANE Select); coding-DNA position 1803, one base deleted (T; older notation c.1803delT).
Protein change: p.Asp601fs; shifts the reading frame from aspartic acid 601.
Molecular consequence: frameshift variant. On other transcripts: non-coding transcript variant (7).
Genome position (GRCh38, 1-based): chr4:523,647, T deleted. VCF-style (leftmost placement, unchanged base first): chr4-523646-AT-A. GRCh37 (hg19) VCF-style: chr4-517435-AT-A.
Other names: c.1536del, p.Asp512fs (NM_001289051.2, NM_001345986.2); c.1404del, p.Asp468fs (NM_001289052.2); c.1512del, p.Asp504fs (NM_001345987.2); c.774del, p.Asp258fs (NM_001345988.2); c.270del, p.Asp90fs (NM_001345990.2, NM_001345991.2); c.705del, p.Asp235fs (NM_001345994.2); c.1779del, p.Asp593fs (NM_017733.5); short protein forms D468fs, D235fs, D504fs, D593fs, D90fs, D258fs, D512fs, D601fs.
Identifiers: ClinVar variation 1396893 (VCV001396893.6), dbSNP rs1377893089, ClinGen allele CA796079178.

ClinVar aggregate classification (germline): Pathogenic (1 of 4 stars; one submission).

Conditions:
Intellectual disability, autosomal recessive 53 (NEDHSCA). Also called: GLYCOSYLPHOSPHATIDYLINOSITOL BIOSYNTHESIS DEFECT 13; Mental retardation, autosomal recessive 53; NEURODEVELOPMENTAL DISORDER WITH OR WITHOUT HYPOTONIA, SEIZURES, AND CEREBELLAR ATROPHY. Identifiers: Orphanet 488635, MedGen C4310794, MONDO:0014832, OMIM 616917.

Allele frequency attached by ClinVar (database versions not stated): TOPMed below 0.00001; gnomAD 0.00001.

Submission:

Labcorp Genetics (formerly Invitae), Labcorp
Classification: Pathogenic for Intellectual disability, autosomal recessive 53. Last evaluated: 2021-10-08. Review status: criteria provided, single submitter. Criteria: Invitae Variant Classification Sherloc (09022015). Collection method: clinical testing. Allele origin: germline.
Comment: For these reasons, this variant has been classified as Pathogenic. This variant has not been reported in the literature in individuals affected with PIGG-related conditions. This variant is not present in population databases (ExAC no frequency). This sequence change creates a premature translational stop signal (p.Asp601Glufs*60) in the PIGG gene. It is expected to result in an absent or disrupted protein product. Loss-of-function variants in PIGG are known to be pathogenic (PMID: 26996948, 28581210, 28771251).

Literature cited by the submitters: PubMed 26996948; PubMed 28581210; PubMed 28771251.